The following is an entry in ClinVar:

NM_004380.3(CREBBP):c.2537C>G (p.Pro846Arg)

Gene: CREBBP (CREB binding lysine acetyltransferase; minus strand). Cytogenetic location: 16p13.3.
Variant type: single nucleotide variant.
Coding change: c.2537C>G on transcript NM_004380.3 (MANE Select); coding-DNA position 2537, C replaced by G.
Protein change: p.Pro846Arg; replaces proline 846 with arginine.
Molecular consequence: missense variant.
Genome position (GRCh38, 1-based): chr16:3,770,913, G>C on the plus strand (C>G on the coding strand, the complement: CREBBP is on the minus strand). VCF-style: chr16-3770913-G-C. GRCh37 (hg19) VCF-style: chr16-3820914-G-C.
Other names: c.2537C>G (NM_004380.2); c.2423C>G, p.Pro808Arg (NM_001079846.1); short protein forms P808R, P846R.
Identifiers: ClinVar variation 2908562 (VCV002908562.4), dbSNP rs371282657, ClinGen allele CA7870088.

ClinVar aggregate classification (germline): Benign. Review status: criteria provided, single submitter (1 of 4 stars). 2 submissions from 2 submitters: Benign (1). 1 of the submissions does not count toward it. Last evaluated 2025-02-25.

Conditions:
Rubinstein-Taybi syndrome (RSTS). Identifiers: Orphanet 783, MedGen C0035934, MONDO:0019188.
CREBBP-related disorder. Also called: CREBBP-related condition; CREBBP-related disorders.

Allele frequency attached by ClinVar (database versions not stated): 1000 Genomes Project 30x 0.00016.
gnomAD v4.1: 9 of 1,613,826 alleles (0.00056%); highest among the groups gnomAD compares: African/African-American, 0.012%; no homozygotes.

Submissions (2):

Labcorp Genetics (formerly Invitae), Labcorp
Classification: Benign for Rubinstein-Taybi syndrome. Last evaluated: 2025-02-25. Review status: criteria provided, single submitter. Criteria: Invitae Variant Classification Sherloc (09022015). Collection method: clinical testing. Allele origin: germline.

PreventionGenetics, part of Exact Sciences
Classification: Uncertain significance for CREBBP-related condition. Last evaluated: 2024-06-25. Review status: no assertion criteria provided. Collection method: clinical testing. Allele origin: germline. Not counted in ClinVar's aggregate classification.
Comment: The CREBBP c.2537C>G variant is predicted to result in the amino acid substitution p.Pro846Arg. To our knowledge, this variant has not been reported in the literature. This variant is reported in 0.028% of alleles in individuals of African descent in gnomAD. Although we suspect that this variant may be benign, at this time, the clinical significance of this variant is uncertain due to the absence of conclusive functional and genetic evidence.